The following is an entry in ClinVar:

ClinVar aggregate classification (germline): Uncertain significance (1 of 4 stars; one submission).

Allele frequency attached by ClinVar (database versions not stated): gnomAD exomes below 0.00001.

Submission:

Labcorp Genetics (formerly Invitae), Labcorp
Classification: Uncertain significance. Last evaluated: 2022-03-23. Review status: criteria provided, single submitter. Criteria: Invitae Variant Classification Sherloc (09022015). Collection method: clinical testing. Allele origin: germline.
Comment: This variant has not been reported in the literature in individuals affected with DHCR24-related conditions. This sequence change replaces proline, which is neutral and non-polar, with leucine, which is neutral and non-polar, at codon 443 of the DHCR24 protein (p.Pro443Leu). This variant is not present in population databases (gnomAD no frequency). Algorithms developed to predict the effect of missense changes on protein structure and function (SIFT, PolyPhen-2, Align-GVGD) all suggest that this variant is likely to be disruptive. In summary, the available evidence is currently insufficient to determine the role of this variant in disease. Therefore, it has been classified as a Variant of Uncertain Significance.

NM_014762.4(DHCR24):c.1328C>T (p.Pro443Leu)

Gene: DHCR24 (24-dehydrocholesterol reductase; minus strand). Cytogenetic location: 1p32.3.
Variant type: single nucleotide variant.
Coding change: c.1328C>T on transcript NM_014762.4 (MANE Select); coding-DNA position 1328, C replaced by T.
Protein change: p.Pro443Leu; replaces proline 443 with leucine.
Molecular consequence: missense variant.
Genome position (GRCh38, 1-based): chr1:54,853,503, G>A on the plus strand (C>T on the coding strand, the complement: DHCR24 is on the minus strand). VCF-style: chr1-54853503-G-A. GRCh37 (hg19) VCF-style: chr1-55319176-G-A.
Other names: short protein forms P443L.
Identifiers: ClinVar variation 2095589 (VCV002095589.4), dbSNP rs2524696735, ClinGen allele CA340469952.
Genomic context (GRCh38, chr1:54,853,503, plus strand): 5'-CTGCGGACAAACTTCTCCAGCTGCCTCATGCAGGACCTGGCTTCAAAGTGTTTCACACGC[G>A]GCTCCCCATATGCTCCAATGTCGATGTAGAGCTCTGCCTCATTTCCTTTGGGGTGCACTA-3'
Protein context (NP_055577.1, residues 433-453): LYIDIGAYGE[Pro443Leu]RVKHFEARSC